The following is an entry in ClinVar:

NM_001382430.1(AKT1):c.*6C>T

Gene: AKT1 (AKT serine/threonine kinase 1; minus strand). Cytogenetic location: 14q32.33.
Variant type: single nucleotide variant.
Coding change: c.*6C>T on transcript NM_001382430.1 (MANE Select); 6 bases downstream of the stop codon, C replaced by T.
Molecular consequence: 3 prime UTR variant.
Genome position (GRCh38, 1-based): chr14:104,770,335, G>A on the plus strand (C>T on the coding strand, the complement: AKT1 is on the minus strand). VCF-style: chr14-104770335-G-A. GRCh37 (hg19) VCF-style: chr14-105236672-G-A.
Other names: c.*6C>T (NM_001014431.2, NM_001014432.2, NM_001382431.1 and 3 more transcripts).
Identifiers: ClinVar variation 2644620 (VCV002644620.24), dbSNP rs200508405, ClinGen allele CA7374430.
Genomic context (GRCh38, chr14:104,770,335, plus strand): 5'-CAGATCATGGCACGAGGCCGCCTCTCCATCCCTCCAAGCTATCGTCCAGCGCAGTCCACC[G>A]CCGCCTCAGGCCGTGCCGCTGGCCGAGTAGGAGAACTGGGGGAAGTGGGGCCTGCGCTCG-3'

ClinVar aggregate classification (germline): Likely benign (1 of 4 stars; one submission).

Allele frequency attached by ClinVar (database versions not stated): TOPMed 0.00005; ESP Exome Variant Server 0.00008; gnomAD 0.00040; ExAC 0.00200; 1000 Genomes Project 30x 0.00297; 1000 Genomes Project 0.00319.
gnomAD v4.1: 921 of 1,607,958 alleles (0.057%); highest among the groups gnomAD compares: South Asian, 0.96%; 19 homozygotes.

Submission:

CeGaT Center for Human Genetics Tuebingen
Classification: Likely benign. Last evaluated: 2026-01-01. Review status: criteria provided, single submitter. Criteria: CeGaT Center For Human Genetics Tuebingen Variant Classification Criteria Version 2. Collection method: clinical testing. Allele origin: germline. Affected: yes. Observed: 2 variant alleles.
Comment: AKT1: BS2